The following is an entry in ClinVar:

NM_000452.3(SLC10A2):c.604G>A (p.Ala202Thr)

Gene: SLC10A2 (solute carrier family 10 member 2; minus strand). Cytogenetic location: 13q33.1.
Variant type: single nucleotide variant.
Coding change: c.604G>A on transcript NM_000452.3 (MANE Select); coding-DNA position 604, G replaced by A.
Protein change: p.Ala202Thr; replaces alanine 202 with threonine.
Molecular consequence: missense variant.
Genome position (GRCh38, 1-based): chr13:103,051,414, C>T on the plus strand (G>A on the coding strand, the complement: SLC10A2 is on the minus strand). VCF-style: chr13-103051414-C-T. GRCh37 (hg19) VCF-style: chr13-103703764-C-T.
Other names: c.604G>A (NM_000452.2); short protein forms A202T.
Identifiers: ClinVar variation 501713 (VCV000501713.10), dbSNP rs144135132, ClinGen allele CA7042112.

ClinVar aggregate classification (germline): Uncertain significance. Review status: criteria provided, multiple submitters, no conflicts (2 of 4 stars). 3 submissions from 3 submitters: Uncertain significance (2). 1 of the submissions does not count toward it. Last evaluated 2025-11-03.

Conditions:
SLC10A2-related disorder. Also called: SLC10A2-related condition.

Allele frequency attached by ClinVar (database versions not stated): TOPMed 0.00012; ESP Exome Variant Server 0.00015; 1000 Genomes Project 0.00040; 1000 Genomes Project 30x 0.00047.

Submissions (3):

Labcorp Genetics (formerly Invitae), Labcorp
Classification: Uncertain significance. Last evaluated: 2025-11-03. Review status: criteria provided, single submitter. Criteria: Invitae Variant Classification Sherloc (09022015). Collection method: clinical testing. Allele origin: germline.
Comment: This sequence change replaces alanine, which is neutral and non-polar, with threonine, which is neutral and polar, at codon 202 of the SLC10A2 protein (p.Ala202Thr). This variant is present in population databases (rs144135132, gnomAD 0.02%). This variant has not been reported in the literature in individuals affected with SLC10A2-related conditions. ClinVar contains an entry for this variant (Variation ID: 501713). Invitae Evidence Modeling of protein sequence and biophysical properties (such as structural, functional, and spatial information, amino acid conservation, physicochemical variation, residue mobility, and thermodynamic stability) indicates that this missense variant is not expected to disrupt SLC10A2 protein function with a negative predictive value of 80%. In summary, the available evidence is currently insufficient to determine the role of this variant in disease. Therefore, it has been classified as a Variant of Uncertain Significance.

Eurofins Ntd Llc (ga)
Classification: Uncertain significance. Last evaluated: 2018-03-30. Review status: criteria provided, single submitter. Criteria: EGL ClinVar v180209 classification definitions. Collection method: clinical testing. Allele origin: germline. Observed: 5 variant alleles, 5 heterozygotes.

PreventionGenetics, part of Exact Sciences
Classification: Uncertain significance for SLC10A2-related condition. Last evaluated: 2024-09-04. Review status: no assertion criteria provided. Collection method: clinical testing. Allele origin: germline. Not counted in ClinVar's aggregate classification.
Comment: The SLC10A2 c.604G>A variant is predicted to result in the amino acid substitution p.Ala202Thr. To our knowledge, this variant has not been reported in the literature. This variant is reported in 0.024% of alleles in individuals of African descent in gnomAD. At this time, the clinical significance of this variant is uncertain due to the absence of conclusive functional and genetic evidence.